The following is an entry in ClinVar:

NM_007126.5(VCP):c.945+6A>C

Gene: VCP (valosin containing protein; minus strand). Cytogenetic location: 9p13.3.
Variant type: single nucleotide variant.
Coding change: c.945+6A>C on transcript NM_007126.5 (MANE Select); 6 bases into the intron after coding-DNA position 945, A replaced by C.
Molecular consequence: intron variant.
Genome position (GRCh38, 1-based): chr9:35,062,211, T>G on the plus strand (A>C on the coding strand, the complement: VCP is on the minus strand). VCF-style: chr9-35062211-T-G. GRCh37 (hg19) VCF-style: chr9-35062208-T-G.
Other names: c.810+6A>C (NM_001354927.2, NM_001354928.2).
Identifiers: ClinVar variation 3757599 (VCV003757599.2).

ClinVar aggregate classification (germline): Uncertain significance (1 of 4 stars; one submission).

Conditions:
Inclusion body myopathy with Paget disease of bone and frontotemporal dementia. Also called: Inclusion body myopathy with early-onset Paget disease and frontotemporal dementia. Identifiers: Orphanet 52430, MedGen C1833662, MONDO:0000507.
Frontotemporal dementia and/or amyotrophic lateral sclerosis 6 (FTDALS6). Also called: VCP-Related Amyotrophic Lateral Sclerosis; VCP-Related Amyotrophic Lateral Sclerosis/Frontotemporal Dementia. Identifiers: Orphanet 275872, Orphanet 803, MedGen C5436279, MONDO:0013501, OMIM 613954.

gnomAD v4.1: 1 of 1,613,920 alleles (0.000062%); highest among the groups gnomAD compares: Non-Finnish European, 0.000085%; no homozygotes.

Submission:

Labcorp Genetics (formerly Invitae), Labcorp
Classification: Uncertain significance for Inclusion body myopathy with Paget disease of bone and frontotemporal dementia; Frontotemporal dementia and/or amyotrophic lateral sclerosis 6. Last evaluated: 2025-09-02. Review status: criteria provided, single submitter. Criteria: Invitae Variant Classification Sherloc (09022015). Collection method: clinical testing. Allele origin: germline.
Comment: This sequence change falls in intron 8 of the VCP gene. It does not directly change the encoded amino acid sequence of the VCP protein. It affects a nucleotide within the consensus splice site. This variant is not present in population databases (gnomAD no frequency). This variant has not been reported in the literature in individuals affected with VCP-related conditions. ClinVar contains an entry for this variant (Variation ID: 3757599). Variants that disrupt the consensus splice site are a relatively common cause of aberrant splicing (PMID: 17576681, 9536098). Algorithms developed to predict the effect of sequence changes on RNA splicing suggest that this variant is not likely to affect RNA splicing. In summary, the available evidence is currently insufficient to determine the role of this variant in disease. Therefore, it has been classified as a Variant of Uncertain Significance.

Literature cited by the submitters: PubMed 17576681; PubMed 9536098.